The following is an entry in ClinVar:

ClinVar aggregate classification (germline): Pathogenic (1 of 4 stars; one submission).

Conditions:
Niemann-Pick disease, type C2 (NPC2). Identifiers: Orphanet 646, MedGen C1843366, MONDO:0011873, OMIM 607625.

Allele frequency attached by ClinVar (database versions not stated): gnomAD exomes below 0.00001; ExAC 0.00001.

Submission:

Labcorp Genetics (formerly Invitae), Labcorp
Classification: Pathogenic for Niemann-Pick disease, type C2. Last evaluated: 2024-01-29. Review status: criteria provided, single submitter. Criteria: Invitae Variant Classification Sherloc (09022015). Collection method: clinical testing. Allele origin: germline.
Comment: This sequence change affects the initiator methionine of the NPC2 mRNA. The next in-frame methionine is located at codon 79. The frequency data for this variant in the population databases is considered unreliable, as metrics indicate poor data quality at this position in the gnomAD database. Disruption of the initiator codon has been observed in individual(s) with Niemann-Pick type C (PMID: 19252935, 24915861). In at least one individual the data is consistent with being in trans (on the opposite chromosome) from a pathogenic variant. ClinVar contains an entry for this variant (Variation ID: 1921786). This variant disrupts a region of the NPC2 protein in which other variant(s) (p.Cys47Phe) have been observed in individuals with NPC2-related conditions (PMID: 12955717, 15937921, 17470133). This suggests that this is a clinically significant region of the protein, and that variants that disrupt it are likely to be disease-causing. For these reasons, this variant has been classified as Pathogenic.

Literature cited by the submitters: PubMed 19252935; PubMed 24915861; PubMed 12955717; PubMed 15937921; PubMed 17470133.

NM_006432.5(NPC2):c.3G>T (p.Met1Ile)

Gene: NPC2 (NPC intracellular cholesterol transporter 2; minus strand). Cytogenetic location: 14q24.3.
Variant type: single nucleotide variant.
Coding change: c.3G>T on transcript NM_006432.5 (MANE Select); coding-DNA position 3, G replaced by T.
Protein change: p.Met1Ile; changes the start codon (methionine 1).
Molecular consequence: missense variant, initiator codon variant.
Genome position (GRCh38, 1-based): chr14:74,493,272, C>A on the plus strand (G>T on the coding strand, the complement: NPC2 is on the minus strand). VCF-style: chr14-74493272-C-A. GRCh37 (hg19) VCF-style: chr14-74959975-C-A.
Other names: c.3G>T, p.Met1Ile (NM_001363688.1, NM_001375440.1); short protein forms M1I.
Identifiers: ClinVar variation 1921786 (VCV001921786.7), dbSNP rs483352893, ClinGen allele CA7268220.